The following is an entry in ClinVar:

ClinVar aggregate classification (germline): Likely benign (1 of 4 stars; one submission).

Allele frequency attached by ClinVar (database versions not stated): TOPMed below 0.00001; gnomAD 0.00001; gnomAD exomes 0.00001; 1000 Genomes Project 30x 0.00016.
gnomAD v4.1: 13 of 1,613,674 alleles (0.00081%); highest among the groups gnomAD compares: East Asian, 0.027%; no homozygotes.

Submission:

GeneDx
Classification: Likely benign. Last evaluated: 2018-04-20. Review status: criteria provided, single submitter. Criteria: GeneDx Variant Classification (06012015). Collection method: clinical testing. Allele origin: germline. Affected: yes.
Comment: This variant is considered likely benign or benign based on one or more of the following criteria: it is a conservative change, it occurs at a poorly conserved position in the protein, it is predicted to be benign by multiple in silico algorithms, and/or has population frequency not consistent with disease.

NM_001267550.2(TTN):c.39143A>G (p.Lys13048Arg)

Gene: TTN (titin; minus strand). Cytogenetic location: 2q31.2.
Variant type: single nucleotide variant.
Coding change: c.39143A>G on transcript NM_001267550.2 (MANE Select); coding-DNA position 39143, A replaced by G.
Protein change: p.Lys13048Arg; replaces lysine 13048 with arginine.
Molecular consequence: missense variant. On other transcripts: intron variant (3).
Genome position (GRCh38, 1-based): chr2:178,652,332, T>C on the plus strand (A>G on the coding strand, the complement: TTN is on the minus strand). VCF-style: chr2-178652332-T-C. GRCh37 (hg19) VCF-style: chr2-179517059-T-C.
Other names: c.34622A>G, p.Lys11541Arg (NM_001256850.1); c.31841A>G, p.Lys10614Arg (NM_133378.4); c.13283-10015A>G (NM_003319.4); c.13859-10015A>G (NM_133437.4); c.13658-10015A>G (NM_133432.3); short protein forms K10614R, K11541R, K13048R.
Identifiers: ClinVar variation 682087 (VCV000682087.7), dbSNP rs764410207, ClinGen allele CA1996840.